The following is an entry in ClinVar:

NM_001348716.2(KDM6B):c.1537dup (p.Arg513fs)

Gene: KDM6B (lysine demethylase 6B; plus strand). Cytogenetic location: 17p13.1.
Variant type: Duplication.
Coding change: c.1537dup on transcript NM_001348716.2 (MANE Select); coding-DNA position 1537, one base duplicated (C; older notation c.1537dupC).
Protein change: p.Arg513fs; shifts the reading frame from arginine 513.
Molecular consequence: frameshift variant.
Genome position (GRCh38, 1-based): chr17:7,847,825, C duplicated; the last of 7 consecutive C bases (chr17:7,847,819-7,847,825); duplicating any one gives the same sequence. VCF-style (leftmost placement, unchanged base first): chr17-7847818-A-AC. GRCh37 (hg19) VCF-style: chr17-7751136-A-AC.
Other names: c.1537dup, p.Arg513fs (NM_001080424.2); c.1537dup (NM_001080424.1); short protein forms R513fs.
Identifiers: ClinVar variation 1704423 (VCV001704423.2), dbSNP rs747555402, ClinGen allele CA497946813.

ClinVar aggregate classification (germline): Pathogenic. Review status: criteria provided, single submitter (1 of 4 stars). 2 submissions from 2 submitters: Pathogenic (1). 1 of the submissions does not count toward it. Last evaluated 2024-11-19.

Conditions:
Neurodevelopmental disorder with coarse facies and mild distal skeletal abnormalities. Also called: STOLERMAN NEURODEVELOPMENTAL SYNDROME. Identifiers: MedGen C5193134, MONDO:0032790, OMIM 618505.

Submissions (2):

GeneDx
Classification: Pathogenic. Last evaluated: 2024-11-19. Review status: criteria provided, single submitter. Criteria: GeneDx Variant Classification Process June 2021. Collection method: clinical testing. Allele origin: germline. Affected: yes.
Comment: Frameshift variant predicted to result in protein truncation or nonsense mediated decay in a gene for which loss of function is a known mechanism of disease; Not observed at significant frequency in large population cohorts (gnomAD); This variant is associated with the following publications: (PMID: 37196654)

Joint Genome Diagnostic Labs from Nijmegen and Maastricht, Radboudumc and MUMC+
Classification: Likely pathogenic for Neurodevelopmental disorder with coarse facies and mild distal skeletal abnormalities. Last evaluated: 2022-09-09. Review status: no assertion criteria provided. Collection method: research. Allele origin: de novo. Affected: yes. Not counted in ClinVar's aggregate classification.